The following is an entry in ClinVar:

ClinVar aggregate classification (germline): Uncertain significance (1 of 4 stars; one submission).

Conditions:
Hereditary cancer-predisposing syndrome. Also called: Neoplastic Syndromes, Hereditary; Tumor predisposition; Hereditary Cancer Syndrome; Hereditary neoplastic syndrome. Identifiers: Orphanet 140162, MedGen C0027672, MeSH D009386, MONDO:0015356.

Submission:

Ambry Genetics
Classification: Uncertain significance for Hereditary cancer-predisposing syndrome. Last evaluated: 2026-04-25. Review status: criteria provided, single submitter. Criteria: Ambry Variant Classification Scheme 2023. Collection method: clinical testing. Allele origin: germline.
Comment: The p.V76L variant (also known as c.226G>T), located in coding exon 3 of the XRCC2 gene, results from a G to T substitution at nucleotide position 226. The valine at codon 76 is replaced by leucine, an amino acid with highly similar properties. This amino acid position is conserved. In addition, this alteration is predicted to be tolerated by in silico analysis. Based on the available evidence, the clinical significance of this variant remains unclear.

NM_005431.2(XRCC2):c.226G>T (p.Val76Leu)

Gene: XRCC2 (X-ray repair cross complementing 2; minus strand). Cytogenetic location: 7q36.1.
Variant type: single nucleotide variant.
Coding change: c.226G>T on transcript NM_005431.2 (MANE Select); coding-DNA position 226, G replaced by T.
Protein change: p.Val76Leu; replaces valine 76 with leucine.
Molecular consequence: missense variant.
Genome position (GRCh38, 1-based): chr7:152,649,259, C>A on the plus strand (G>T on the coding strand, the complement: XRCC2 is on the minus strand). VCF-style: chr7-152649259-C-A. GRCh37 (hg19) VCF-style: chr7-152346344-C-A.
Other names: short protein forms V76L.
Identifiers: ClinVar variation 4866842 (VCV004866842.1).